The following is an entry in ClinVar:

ClinVar aggregate classification (germline): Uncertain significance. Review status: criteria provided, multiple submitters, no conflicts (2 of 4 stars). 2 submissions from 2 submitters: Uncertain significance (2). Last evaluated 2026-02-13.

Conditions:
Hereditary hemorrhagic telangiectasia (HHT). Also called: ORW DISEASE; Osler Weber Rendu syndrome; OSLER-RENDU-WEBER DISEASE; Osler hemorrhagic telangiectasia syndrome. Identifiers: Orphanet 774, MedGen C0039445, MONDO:0019180. Disease mechanism: loss of function.
Cardiovascular phenotype. Identifiers: MedGen CN230736.

Allele frequency attached by ClinVar (database versions not stated): gnomAD exomes below 0.00001.

Submissions (2):

Ambry Genetics
Classification: Uncertain significance for Cardiovascular phenotype. Last evaluated: 2026-02-13. Review status: criteria provided, single submitter. Criteria: Ambry Variant Classification Scheme 2023. Collection method: clinical testing. Allele origin: germline.
Comment: The p.S23T variant (also known as c.68G>C) is located in coding exon 2 of the ENG gene. The serine at codon 23 is replaced by threonine, an amino acid with similar properties. This change occurs in the first base pair of coding exon 2. This amino acid position is conserved. In addition, this alteration is predicted to be tolerated by in silico analysis. Based on the available evidence, the clinical significance of this variant remains unclear.

Labcorp Genetics (formerly Invitae), Labcorp
Classification: Uncertain significance for Hereditary hemorrhagic telangiectasia. Last evaluated: 2020-07-24. Review status: criteria provided, single submitter. Criteria: Invitae Variant Classification Sherloc (09022015). Collection method: clinical testing. Allele origin: germline.
Comment: This variant has not been reported in the literature in individuals with ENG-related conditions. This sequence change replaces serine with threonine at codon 23 of the ENG protein (p.Ser23Thr). The serine residue is weakly conserved and there is a small physicochemical difference between serine and threonine. This variant is not present in population databases (ExAC no frequency). Algorithms developed to predict the effect of missense changes on protein structure and function (SIFT, PolyPhen-2, Align-GVGD) all suggest that this variant is likely to be tolerated, but these predictions have not been confirmed by published functional studies and their clinical significance is uncertain. Algorithms developed to predict the effect of sequence changes on RNA splicing suggest that this variant may disrupt the consensus splice site, but this prediction has not been confirmed by published transcriptional studies. In summary, the available evidence is currently insufficient to determine the role of this variant in disease. Therefore, it has been classified as a Variant of Uncertain Significance.

NM_001114753.3(ENG):c.68G>C (p.Ser23Thr)

Gene: ENG (endoglin; minus strand). Cytogenetic location: 9q34.11.
Variant type: single nucleotide variant.
Coding change: c.68G>C on transcript NM_001114753.3 (MANE Select); coding-DNA position 68, G replaced by C.
Protein change: p.Ser23Thr; replaces serine 23 with threonine.
Molecular consequence: missense variant. On other transcripts: 5 prime UTR variant (1).
Genome position (GRCh38, 1-based): chr9:127,843,245, C>G on the plus strand (G>C on the coding strand, the complement: ENG is on the minus strand). VCF-style: chr9-127843245-C-G. GRCh37 (hg19) VCF-style: chr9-130605524-C-G.
Other names: c.68G>C, p.Ser23Thr (NM_000118.4, NM_001406715.1); c.-479G>C (NM_001278138.2); c.68G>C (NM_001114753.1); short protein forms S23T.
Identifiers: ClinVar variation 858281 (VCV000858281.12), dbSNP rs1253367171, ClinGen allele CA374989221.